The following is an entry in ClinVar:

NM_000274.4(OAT):c.152G>A (p.Gly51Asp)

Gene: OAT (ornithine aminotransferase; minus strand). Cytogenetic location: 10q26.13.
Variant type: single nucleotide variant.
Coding change: c.152G>A on transcript NM_000274.4 (MANE Select); coding-DNA position 152, G replaced by A.
Protein change: p.Gly51Asp; replaces glycine 51 with aspartic acid.
Molecular consequence: missense variant. On other transcripts: intron variant (2).
Genome position (GRCh38, 1-based): chr10:124,412,020, C>T on the plus strand (G>A on the coding strand, the complement: OAT is on the minus strand). VCF-style: chr10-124412020-C-T. GRCh37 (hg19) VCF-style: chr10-126100589-C-T.
Other names: c.152G>A, p.Gly51Asp (NM_001322965.2, NM_001322966.2, NM_001322967.2 and 4 more transcripts); c.-215-3055G>A (NM_001171814.2); c.-515-3055G>A (NM_001322974.2); short protein forms G51D.
Identifiers: ClinVar variation 2136938 (VCV002136938.6), dbSNP rs11553554, ClinGen allele CA5733602.

ClinVar aggregate classification (germline): Pathogenic/Likely pathogenic. Review status: criteria provided, multiple submitters, no conflicts (2 of 4 stars). 3 submissions from 3 submitters: Pathogenic (2); Likely pathogenic (1). Last evaluated 2026-03-04.

Conditions:
Hyperornithinemia. Also called: Ornithinemia. Identifiers: MedGen C0599035, HP:0012026.
Ornithine aminotransferase deficiency (GACR). Also called: OKT DEFICIENCY; HYPERORNITHINEMIA WITH GYRATE ATROPHY OF CHOROID AND RETINA; OAT DEFICIENCY; Ornithine ketoacid aminotransferase deficiency; Gyrate atrophy; Gyrate atrophy of choroid and retina. Identifiers: Orphanet 414, MedGen C0018425, MONDO:0009796, OMIM 258870.

Allele frequency attached by ClinVar (database versions not stated): TOPMed below 0.00001; gnomAD 0.00001; gnomAD exomes 0.00001; ExAC 0.00002.
gnomAD v4.1: 12 of 1,614,048 alleles (0.00074%); highest among the groups gnomAD compares: South Asian, 0.0066%; no homozygotes.

Submissions (3):

Women's Health and Genetics/Laboratory Corporation of America, LabCorp
Classification: Pathogenic for Hyperornithinemia. Last evaluated: 2026-03-04. Review status: criteria provided, single submitter. Criteria: LabCorp Variant Classification Summary - May 2015. Collection method: clinical testing. Allele origin: germline.
Comment: Variant summary: OAT c.152G>A (p.Gly51Asp) results in a non-conservative amino acid change in the encoded protein sequence. Algorithms developed to predict the effect of missense changes on protein structure and function all suggest that this variant is likely to be disruptive. The variant allele was found at a frequency of 1.2e-05 in 251488 control chromosomes. c.152G>A has been observed in individual(s) affected with Ornithine Aminotransferase Deficiency (Doimo_2013, Sergouniotis_2012). These data indicate that the variant is likely to be associated with disease. At least one publication reports experimental evidence evaluating an impact on protein function (Doimo_2013). The most pronounced variant effect results in <10% of normal activity. The following publications have been ascertained in the context of this evaluation (PMID: 23076989, 22182799). ClinVar contains an entry for this variant (Variation ID: 2136938). Based on the evidence outlined above, the variant was classified as pathogenic.

Baylor Genetics
Classification: Likely pathogenic for Ornithine aminotransferase deficiency. Last evaluated: 2023-10-25. Review status: criteria provided, single submitter. Criteria: ACMG Guidelines, 2015. Collection method: clinical testing. Allele origin: unknown.

Labcorp Genetics (formerly Invitae), Labcorp
Classification: Pathogenic for Ornithine aminotransferase deficiency. Last evaluated: 2023-09-18. Review status: criteria provided, single submitter. Criteria: Invitae Variant Classification Sherloc (09022015). Collection method: clinical testing. Allele origin: germline.
Comment: For these reasons, this variant has been classified as Pathogenic. Experimental studies have shown that this missense change affects OAT function (PMID: 23076989). This sequence change replaces glycine, which is neutral and non-polar, with aspartic acid, which is acidic and polar, at codon 51 of the OAT protein (p.Gly51Asp). This variant is present in population databases (rs11553554, gnomAD 0.01%). This missense change has been observed in individual(s) with gyrate atrophy (PMID: 22182799, 23076989). ClinVar contains an entry for this variant (Variation ID: 2136938). Advanced modeling of protein sequence and biophysical properties (such as structural, functional, and spatial information, amino acid conservation, physicochemical variation, residue mobility, and thermodynamic stability) performed at Invitae indicates that this missense variant is expected to disrupt OAT protein function.

Literature cited by the submitters: PubMed 23076989 (cited by Women's Health and Genetics/Laboratory Corporation of America, LabCorp and Labcorp Genetics (formerly Invitae), Labcorp); PubMed 22182799 (cited by Women's Health and Genetics/Laboratory Corporation of America, LabCorp and Labcorp Genetics (formerly Invitae), Labcorp).